The following is an entry in ClinVar:

ClinVar aggregate classification (germline): Likely benign (0 of 4 stars; one submission).

Conditions:
TSGA10-related disorder. Also called: TSGA10-related condition.

Submission:

PreventionGenetics, part of Exact Sciences
Classification: Likely benign for TSGA10-related condition. Last evaluated: 2020-07-13. Review status: no assertion criteria provided. Collection method: clinical testing. Allele origin: germline.
Comment: This variant is classified as likely benign based on ACMG/AMP sequence variant interpretation guidelines (Richards et al. 2015 PMID: 25741868, with internal and published modifications).

NM_025244.4(TSGA10):c.52-9_52-2del

Gene: TSGA10 (testis specific 10; minus strand). Cytogenetic location: 2q11.2.
Variant type: Deletion.
Coding change: c.52-9_52-2del on transcript NM_025244.4 (MANE Select); 9 bases into the intron before coding-DNA position 52 through the canonical splice acceptor site of the intron before coding-DNA position 52, 8 bases deleted (TAATTATA; older notation c.52-9_52-2delTAATTATA).
Molecular consequence: splice acceptor variant.
Genome position (GRCh38, 1-based): chr2:99,108,993-99,109,000, TATAATTA deleted on the plus strand (TAATTATA on the coding strand, the reverse complement: TSGA10 is on the minus strand); deleting any 8 consecutive bases within chr2:99,108,993-99,109,005 gives the same sequence; the c. name uses the placement nearest the transcript's 3' end. VCF-style (leftmost placement, unchanged base first): chr2-99108992-CTATAATTA-C. GRCh37 (hg19) VCF-style: chr2-99725455-CTATAATTA-C.
Other names: c.52-9_52-2del (NM_001349013.2, NM_001349014.1, NM_182911.4 and 1 more transcripts); c.52-9_52-2del8 (NM_001349012.1).
Identifiers: ClinVar variation 3054408 (VCV003054408.2), dbSNP rs778331272, ClinGen allele CA1797087.
Genomic context (GRCh38, chr2:99,108,992, plus strand): 5'-TTTAAGTTCTTCACGATCTCTTGTTGTTGTCTTCAAAAGTTCTACATCACAGTTTGCACC[CTATAATTA>C]TATAAGGAATTTGAAATCTTCTTTGATATATAGTACTGATAGAAAGGTGCTACTGATGGT-3'